The following is an entry in ClinVar:

NM_016151.4(TAOK2):c.562T>C (p.Trp188Arg)

Gene: TAOK2 (TAO kinase 2; plus strand). Cytogenetic location: 16p11.2.
Variant type: single nucleotide variant.
Coding change: c.562T>C on transcript NM_016151.4 (MANE Select); coding-DNA position 562, T replaced by C.
Protein change: p.Trp188Arg; replaces tryptophan 188 with arginine.
Molecular consequence: missense variant.
Genome position (GRCh38, 1-based): chr16:29,979,307, T>C. VCF-style: chr16-29979307-T-C. GRCh37 (hg19) VCF-style: chr16-29990628-T-C.
Other names: c.562T>C, p.Trp188Arg (NM_001252043.2, NM_004783.4); short protein forms W188R.
Identifiers: ClinVar variation 1722142 (VCV001722142.5), dbSNP rs2543611186, ClinGen allele CA395472285.

ClinVar aggregate classification (germline): Uncertain significance (1 of 4 stars; one submission).

Submission:

Labcorp Genetics (formerly Invitae), Labcorp
Classification: Uncertain significance. Last evaluated: 2022-10-25. Review status: criteria provided, single submitter. Criteria: Invitae Variant Classification Sherloc (09022015). Collection method: clinical testing. Allele origin: germline.
Comment: In summary, the available evidence is currently insufficient to determine the role of this variant in disease. Therefore, it has been classified as a Variant of Uncertain Significance. Algorithms developed to predict the effect of missense changes on protein structure and function (SIFT, PolyPhen-2, Align-GVGD) all suggest that this variant is likely to be disruptive. This variant has not been reported in the literature in individuals affected with TAOK2-related conditions. This variant is not present in population databases (gnomAD no frequency). This sequence change replaces tryptophan, which is neutral and slightly polar, with arginine, which is basic and polar, at codon 188 of the TAOK2 protein (p.Trp188Arg).